The following is an entry in ClinVar:

NM_025114.4(CEP290):c.5573C>G (p.Thr1858Ser)

Gene: CEP290 (centrosomal protein 290; minus strand). Cytogenetic location: 12q21.32.
Variant type: single nucleotide variant.
Coding change: c.5573C>G on transcript NM_025114.4 (MANE Select); coding-DNA position 5573, C replaced by G.
Protein change: p.Thr1858Ser; replaces threonine 1858 with serine.
Molecular consequence: missense variant.
Genome position (GRCh38, 1-based): chr12:88,077,710, G>C on the plus strand (C>G on the coding strand, the complement: CEP290 is on the minus strand). VCF-style: chr12-88077710-G-C. GRCh37 (hg19) VCF-style: chr12-88471487-G-C.
Other names: short protein forms T1858S.
Identifiers: ClinVar variation 1698638 (VCV001698638.3), dbSNP rs761261059, ClinGen allele CA6711694.

ClinVar aggregate classification (germline): Uncertain significance. Review status: criteria provided, multiple submitters, no conflicts (2 of 4 stars). 3 submissions from 3 submitters: Uncertain significance (3). Last evaluated 2025-05-21.

Conditions:
CEP290-related disorder. Also called: CEP290-related condition; CEP290-related disorders. Identifiers: MedGen CN239314.
Leber congenital amaurosis 10 (LCA10). Identifiers: Orphanet 65, MedGen C1857821, MONDO:0012723, OMIM 611755.
Senior-Loken syndrome 6 (SLSN6). Identifiers: Orphanet 3156, MedGen C1857779, MONDO:0012433, OMIM 610189.
Meckel syndrome, type 4 (MKS4). Also called: MECKEL-GRUBER SYNDROME, TYPE 4. Identifiers: Orphanet 564, MedGen C1970161, MONDO:0012626, OMIM 611134.
Joubert syndrome 5 (JBTS5). Identifiers: Orphanet 2318, MedGen C1857780, MONDO:0012432, OMIM 610188.
Bardet-Biedl syndrome 14 (BBS14). Identifiers: Orphanet 110, MedGen C2673874, MONDO:0014442, OMIM 615991.

Allele frequency attached by ClinVar (database versions not stated): ExAC 0.00001; gnomAD exomes 0.00001.
gnomAD v4.1: 9 of 1,547,176 alleles (0.00058%); highest among the groups gnomAD compares: South Asian, 0.0085%; no homozygotes.

Submissions (3):

PreventionGenetics, part of Exact Sciences
Classification: Uncertain significance for CEP290-related condition. Last evaluated: 2025-05-21. Review status: criteria provided, single submitter. Criteria: ACMG Guidelines, 2015. Collection method: clinical testing. Allele origin: germline.
Comment: The CEP290 c.5573C>G variant is predicted to result in the amino acid substitution p.Thr1858Ser. To our knowledge, this variant has not been reported in the literature. This variant is reported in 0.0083% of alleles in individuals of South Asian descent in gnomAD. At this time, the clinical significance of this variant is uncertain due to the absence of conclusive functional and genetic evidence.

Fulgent Genetics
Classification: Uncertain significance for Joubert syndrome 5; Senior-Loken syndrome 6; Meckel syndrome, type 4; Leber congenital amaurosis 10; Bardet-Biedl syndrome 14. Last evaluated: 2024-03-02. Review status: criteria provided, single submitter. Criteria: ACMG Guidelines, 2015. Collection method: clinical testing. Allele origin: germline.

Women's Health and Genetics/Laboratory Corporation of America, LabCorp
Classification: Uncertain significance. Last evaluated: 2022-06-24. Review status: criteria provided, single submitter. Criteria: LabCorp Variant Classification Summary - May 2015. Collection method: clinical testing. Allele origin: germline.